The following is an entry in ClinVar:

GRCh37/hg19 Xq13.2-21.31(chrX:73620711-90395211)x1

Genes: ABCB7 (ATP binding cassette subfamily B member 7; minus strand), APOOL (apolipoprotein O like; plus strand), ATP7A (ATPase copper transporting alpha; plus strand), ATRX (ATRX chromatin remodeler; minus strand), BRWD3 (bromodomain and WD repeat domain containing 3; minus strand) and 36 more. Cytogenetic location: Xq13.2-21.31.
Variant type: copy number loss.
Change: copy number 1 of chrX:73,620,711-90,395,211 (16.77 Mb, GRCh37 coordinates, 1-based), cytogenetic band Xq13.2-21.31.
Identifiers: ClinVar variation 2685711 (VCV002685711.1).

ClinVar aggregate classification (germline): Pathogenic (1 of 4 stars; one submission).

Submission:

Quest Diagnostics Nichols Institute San Juan Capistrano
Classification: Pathogenic. Last evaluated: 2023-01-04. Review status: criteria provided, single submitter. Criteria: ACMG/ClinGen CNV Guidelines, 2019. Collection method: clinical testing. Allele origin: unknown.
Comment: Copy number losses that span the Xq13.2q21.31 region have been rarely reported, although smaller deletions have been identified in affected males and unaffected or mildly affected females with variable phenotypes (Hayashi 2020, Poloschek 2008, Iossa 2015). Haploinsufficiency of NEXMIF is associated with X-linked dominant intellectual developmental disorder-98 (OMIM 300912), and haploinsufficiency of ATRX is associated with X-linked dominant alpha-thalassemia/impaired intellectual development syndrome (OMIM 301040). Loss-of-function variants of COX7B have been identified in individuals with X-linked dominant linear skin defects with multiple congenital anomalies-2 (OMIM 300887). There are no similar copy number losses of this region in the general populations of the Database of Genomic Variants. Thus, this copy number variant (CNV) is classified as pathogenic. References: Hayashi et al., Sci Rep. 2020 Sep 28;10(1):15883. PMID: 32985515 Iossa et al., Mol Cytogenet. 2015 Mar 20;8:18. PMID: 25821518 Poloschek et al., Invest Ophthalmol Vis Sci. 2008 Sep;49(9):4096-104. PMID: 18487380